The following is an entry in ClinVar:

ClinVar aggregate classification (germline): Pathogenic. Review status: criteria provided, multiple submitters, no conflicts (2 of 4 stars). 4 submissions from 4 submitters: Pathogenic (4). Last evaluated 2025-04-07.

Conditions:
Hereditary nonpolyposis colorectal neoplasms. Identifiers: MedGen C0009405, MeSH D003123.
Inherited MMR deficiency (Lynch syndrome).
Hereditary cancer-predisposing syndrome. Also called: Hereditary neoplastic syndrome; Tumor predisposition; Hereditary Cancer Syndrome; Neoplastic Syndromes, Hereditary. Identifiers: Orphanet 140162, MedGen C0027672, MeSH D009386, MONDO:0015356.
Lynch syndrome 5 (LYNCH5). Also called: Colorectal cancer, hereditary nonpolyposis, type 5; Hereditary non-polyposis colorectal cancer, type 5. Identifiers: Orphanet 144, MedGen C1833477, MONDO:0013710, OMIM 614350. Disease mechanism: loss of function.

Allele frequency attached by ClinVar (database versions not stated): TOPMed below 0.00001.

Submissions (4):

Labcorp Genetics (formerly Invitae), Labcorp
Classification: Pathogenic for Hereditary nonpolyposis colorectal neoplasms. Last evaluated: 2025-04-07. Review status: criteria provided, single submitter. Criteria: Invitae Variant Classification Sherloc (09022015). Collection method: clinical testing. Allele origin: germline.
Comment: This sequence change creates a premature translational stop signal (p.Ile972Aspfs*3) in the MSH6 gene. It is expected to result in an absent or disrupted protein product. Loss-of-function variants in MSH6 are known to be pathogenic (PMID: 18269114, 24362816). This variant is not present in population databases (gnomAD no frequency). This variant has not been reported in the literature in individuals affected with MSH6-related conditions. ClinVar contains an entry for this variant (Variation ID: 491920). For these reasons, this variant has been classified as Pathogenic.

Genomics and Molecular Medicine Service, East Genomic Laboratory Hub, NHS Genomic Medicine Service
Classification: Pathogenic for Inherited MMR deficiency (Lynch syndrome). Last evaluated: 2024-05-08. Review status: criteria provided, single submitter. Criteria: ACGS Best Practice Guidelines for Variant Classification in Rare Disease 2020. Collection method: clinical testing. Allele origin: germline. Affected: yes.
Comment: PVS1,PM2,PP4

Myriad Genetics, Inc.
Classification: Pathogenic for Lynch syndrome 5. Last evaluated: 2023-08-21. Review status: criteria provided, single submitter. Criteria: Myriad Autosomal Dominant, Autosomal Recessive and X-Linked Classification Criteria (2023). Collection method: clinical testing. Allele origin: unknown.
Comment: This variant is considered pathogenic. This variant creates a frameshift predicted to result in premature protein truncation.

Color Diagnostics, LLC DBA Color Health
Classification: Pathogenic for Hereditary cancer-predisposing syndrome. Last evaluated: 2020-04-01. Review status: criteria provided, single submitter. Criteria: ACMG Guidelines, 2015. Collection method: clinical testing. Allele origin: germline.
Comment: This variant inserts 1 nucleotide in exon 4 of the MSH6 gene, creating a frameshift and premature translation stop signal. This variant is expected to result in an absent or non-functional protein product. To our knowledge, this variant has not been reported in individuals affected with hereditary cancer in the literature. This variant has not been identified in the general population by the Genome Aggregation Database (gnomAD). Loss of MSH6 function is a known mechanism of disease. Based on the available evidence, this variant is classified as Pathogenic.

Literature cited by the submitters: PubMed 18269114 (cited by Labcorp Genetics (formerly Invitae), Labcorp); PubMed 24362816 (cited by Labcorp Genetics (formerly Invitae), Labcorp).

NM_000179.3(MSH6):c.2913dup (p.Ile972fs)

Gene: MSH6 (mutS homolog 6; plus strand). Cytogenetic location: 2p16.3.
Variant type: Duplication.
Coding change: c.2913dup on transcript NM_000179.3 (MANE Select); coding-DNA position 2913, one base duplicated (G; older notation c.2913dupG).
Protein change: p.Ile972fs; shifts the reading frame from isoleucine 972.
Molecular consequence: frameshift variant.
Genome position (GRCh38, 1-based): chr2:47,800,896, G duplicated; the last of 5 consecutive G bases (chr2:47,800,892-47,800,896); duplicating any one gives the same sequence. VCF-style (leftmost placement, unchanged base first): chr2-47800891-T-TG. GRCh37 (hg19) VCF-style: chr2-48028030-T-TG.
Other names: c.2523dup, p.Ile842fs (NM_001281492.2); c.2007dup, p.Ile670fs (NM_001281493.2, NM_001281494.2); c.2913dupG (NM_000179.2); short protein forms I972fs, I670fs, I842fs.
Identifiers: ClinVar variation 491920 (VCV000491920.13), dbSNP rs1054003194, ClinGen allele CA658683241.